The following is an entry in ClinVar:

ClinVar aggregate classification (germline): Benign/Likely benign. Review status: criteria provided, multiple submitters, no conflicts (2 of 4 stars). 6 submissions from 6 submitters: Benign (1); Likely benign (5). Last evaluated 2025-12-22.

Conditions:
Early-infantile DEE. Also called: Early infantile epileptic encephalopathy with suppression bursts; Early infantile epileptic encephalopathy; Ohtahara syndrome. Identifiers: Orphanet 1934, MedGen C0393706, MONDO:0800491.
Cerebellar atrophy with seizures and variable developmental delay. Identifiers: MedGen C5193132, MONDO:0032788, OMIM 618501.

Allele frequency attached by ClinVar (database versions not stated): gnomAD exomes 0.00046; 1000 Genomes Project 30x 0.00047; gnomAD 0.00027; TOPMed 0.00029; ESP Exome Variant Server 0.00031; ExAC 0.00035; 1000 Genomes Project 0.00040.
gnomAD v4.1: 377 of 1,584,188 alleles (0.024%); highest among the groups gnomAD compares: Middle Eastern, 0.54%; no homozygotes.

Submissions (6):

Labcorp Genetics (formerly Invitae), Labcorp
Classification: Likely benign for Early-infantile DEE. Last evaluated: 2025-12-22. Review status: criteria provided, single submitter. Criteria: Invitae Variant Classification Sherloc (09022015). Collection method: clinical testing. Allele origin: germline.

Blueprint Genetics
Classification: Likely benign. Last evaluated: 2024-11-23. Review status: criteria provided, single submitter. Criteria: ACMG Guidelines, 2015. Collection method: clinical testing. Allele origin: germline.

ARUP Laboratories, Molecular Genetics and Genomics, ARUP Laboratories
Classification: Likely benign for Cerebellar atrophy with seizures and variable developmental delay. Last evaluated: 2024-08-27. Review status: criteria provided, single submitter. Criteria: ARUP Molecular Germline Variant Investigation Process 2024. Collection method: clinical testing. Allele origin: germline.

CeGaT Center for Human Genetics Tuebingen
Classification: Likely benign. Last evaluated: 2023-04-01. Review status: criteria provided, single submitter. Criteria: CeGaT Center For Human Genetics Tuebingen Variant Classification Criteria Version 2. Collection method: clinical testing. Allele origin: germline. Affected: yes. Observed: 3 variant alleles.
Comment: CACNA2D2: BP4, BP7

Athena Diagnostics
Classification: Benign. Last evaluated: 2020-02-11. Review status: criteria provided, single submitter. Criteria: Athena Diagnostics Criteria. Collection method: clinical testing. Allele origin: unknown.

Breakthrough Genomics
Classification: Likely benign. Review status: criteria provided, single submitter. Criteria: ACMG Guidelines, 2015. Collection method: not provided. Allele origin: germline. Inheritance: Autosomal recessive inheritance. Affected: yes.

NM_006030.4(CACNA2D2):c.669T>C (p.Asn223=)

Gene: CACNA2D2 (calcium voltage-gated channel auxiliary subunit alpha2delta 2; minus strand). Cytogenetic location: 3p21.31.
Variant type: single nucleotide variant.
Coding change: c.669T>C on transcript NM_006030.4 (MANE Select); coding-DNA position 669, T replaced by C.
Protein change: p.Asn223=; no amino-acid change (asparagine 223 retained).
Molecular consequence: synonymous variant.
Genome position (GRCh38, 1-based): chr3:50,381,110, A>G on the plus strand (T>C on the coding strand, the complement: CACNA2D2 is on the minus strand). VCF-style: chr3-50381110-A-G. GRCh37 (hg19) VCF-style: chr3-50418541-A-G.
Other names: c.669T>C, p.Asn223= (NM_001005505.3, NM_001174051.3); c.462T>C, p.Asn154= (NM_001291101.1).
Identifiers: ClinVar variation 416547 (VCV000416547.39), dbSNP rs141327265, ClinGen allele CA2419103.